The following is an entry in ClinVar:

ClinVar aggregate classification (germline): Likely benign. Review status: criteria provided, multiple submitters, no conflicts (2 of 4 stars). 2 submissions from 2 submitters: Likely benign (2). Last evaluated 2018-07-20.

Allele frequency attached by ClinVar (database versions not stated): gnomAD below 0.00001 and 0.00001; gnomAD exomes 0.00001 and 0.00002; ExAC 0.00003.
gnomAD v4.1: 20 of 1,614,064 alleles (0.0012%); highest among the groups gnomAD compares: South Asian, 0.021%; no homozygotes.

Submissions (2):

Labcorp Genetics (formerly Invitae), Labcorp
Classification: Likely benign. Last evaluated: 2018-07-20. Review status: criteria provided, single submitter. Criteria: Invitae Variant Classification Sherloc (09022015). Collection method: clinical testing. Allele origin: germline.

GeneDx
Classification: Likely benign. Last evaluated: 2016-12-05. Review status: criteria provided, single submitter. Criteria: GeneDx Variant Classification (06012015). Collection method: clinical testing. Allele origin: germline. Affected: yes.
Comment: This variant is considered likely benign or benign based on one or more of the following criteria: it is a conservative change, it occurs at a poorly conserved position in the protein, it is predicted to be benign by multiple in silico algorithms, and/or has population frequency not consistent with disease.

NM_001130438.3(SPTAN1):c.1584A>G (p.Glu528=)

Gene: SPTAN1 (spectrin alpha, non-erythrocytic 1; plus strand). Cytogenetic location: 9q34.11.
Variant type: single nucleotide variant.
Coding change: c.1584A>G on transcript NM_001130438.3 (MANE Select); coding-DNA position 1584, A replaced by G.
Protein change: p.Glu528=; no amino-acid change (glutamic acid 528 retained).
Molecular consequence: synonymous variant.
Genome position (GRCh38, 1-based): chr9:128,582,490, A>G. VCF-style: chr9-128582490-A-G. GRCh37 (hg19) VCF-style: chr9-131344769-A-G.
Other names: c.1584A>G, p.Glu528= (NM_001195532.2, NM_001363759.2, NM_001363765.2 and 1 more transcripts).
Identifiers: ClinVar variation 391517 (VCV000391517.4), dbSNP rs767443717, ClinGen allele CA5264450.